The following is an entry in ClinVar:

NM_032242.4(PLXNA1):c.1253C>T (p.Thr418Ile)

Gene: PLXNA1 (plexin A1; plus strand). Cytogenetic location: 3q21.3.
Variant type: single nucleotide variant.
Coding change: c.1253C>T on transcript NM_032242.4 (MANE Select); coding-DNA position 1253, C replaced by T.
Protein change: p.Thr418Ile; replaces threonine 418 with isoleucine.
Molecular consequence: missense variant.
Genome position (GRCh38, 1-based): chr3:126,991,442, C>T. VCF-style: chr3-126991442-C-T. GRCh37 (hg19) VCF-style: chr3-126710285-C-T.
Other names: short protein forms T418I.
Identifiers: ClinVar variation 4993820 (VCV004993820.1).
Genomic context (GRCh38, chr3:126,991,442, plus strand): 5'-AGCCCCTGCAGATCGATGACGACTTCTGCGGGCAGGACTTCAACCAGCCCCTGGGGGGCA[C>T]AGTCACCATTGAGGGGACGCCCCTGTTCGTGGACAAGGATGATGGCCTGACCGCCGTGGC-3'
Protein context (NP_115618.3, residues 408-428): GQDFNQPLGG[Thr418Ile]VTIEGTPLFV

ClinVar aggregate classification (germline): Uncertain significance (1 of 4 stars; one submission).

Conditions:
PLXNA1-related disorder. Also called: PLXNA1-related condition.

gnomAD v4.1: 8 of 1,612,806 alleles (0.0005%); highest among the groups gnomAD compares: Admixed American, 0.0083%; no homozygotes.

Submission:

PreventionGenetics, part of Exact Sciences
Classification: Uncertain significance for PLXNA1-related condition. Last evaluated: 2025-11-05. Review status: criteria provided, single submitter. Criteria: ACMG Guidelines, 2015. Collection method: clinical testing. Allele origin: germline.
Comment: The PLXNA1 c.1253C>T variant is predicted to result in the amino acid substitution p.Thr418Ile. To our knowledge, this variant has not been reported in the literature. This variant is reported in 0.0058% of alleles in individuals of Latino descent in gnomAD. At this time, the clinical significance of this variant is uncertain due to the absence of conclusive functional and genetic evidence.